The following is an entry in ClinVar:

NM_000444.6(PHEX):c.1586+1G>C

Gene: PHEX (phosphate regulating endopeptidase X-linked; plus strand). Cytogenetic location: Xp22.11.
Variant type: single nucleotide variant.
Coding change: c.1586+1G>C on transcript NM_000444.6 (MANE Select); the canonical splice donor site of the intron after coding-DNA position 1586, G replaced by C.
Molecular consequence: splice donor variant.
Genome position (GRCh38, 1-based): chrX:22,178,377, G>C. VCF-style: chrX-22178377-G-C. GRCh37 (hg19) VCF-style: chrX-22196494-G-C.
Other names: c.1586+1G>C (NM_001282754.2).
Identifiers: ClinVar variation 853643 (VCV000853643.8), dbSNP rs1064796928, ClinGen allele CA412575009.
Genomic context (GRCh38, chrX:22,178,377, plus strand): 5'-TCGCAAGTATTTAGCACAGTCTGATTTCTTCTGGCTAAGAAAAGCCGTTCCAAAAACAGA[G>C]TGAGTATTAAACAAAAAAAGTTAAATAGATAAATACATTGGTGAGAAGCGGAGTCTCTTT-3'

ClinVar aggregate classification (germline): Pathogenic (1 of 4 stars; one submission).

Submission:

Labcorp Genetics (formerly Invitae), Labcorp
Classification: Pathogenic. Last evaluated: 2021-10-27. Review status: criteria provided, single submitter. Criteria: Invitae Variant Classification Sherloc (09022015). Collection method: clinical testing. Allele origin: germline.
Comment: For these reasons, this variant has been classified as Pathogenic. Algorithms developed to predict the effect of sequence changes on RNA splicing suggest that this variant may disrupt the consensus splice site. ClinVar contains an entry for this variant (Variation ID: 853643). Disruption of this splice site has been observed in individuals with hypophosphatemic rickets (PMID: 26051471, 28506344; Invitae). This variant is not present in population databases (gnomAD no frequency). This sequence change affects a donor splice site in intron 14 of the PHEX gene. It is expected to disrupt RNA splicing. Variants that disrupt the donor or acceptor splice site typically lead to a loss of protein function (PMID: 16199547), and loss-of-function variants in PHEX are known to be pathogenic (PMID: 9097956, 9106524, 19219621).

Literature cited by the submitters: PubMed 26051471; PubMed 28506344; PubMed 16199547; PubMed 9097956; PubMed 9106524; PubMed 19219621.